The following is an entry in ClinVar:

NM_000138.5(FBN1):c.1427G>T (p.Cys476Phe)

Gene: FBN1 (fibrillin 1; minus strand). Cytogenetic location: 15q21.1.
Variant type: single nucleotide variant.
Coding change: c.1427G>T on transcript NM_000138.5 (MANE Select); coding-DNA position 1427, G replaced by T.
Protein change: p.Cys476Phe; replaces cysteine 476 with phenylalanine.
Molecular consequence: missense variant.
Genome position (GRCh38, 1-based): chr15:48,515,428, C>A on the plus strand (G>T on the coding strand, the complement: FBN1 is on the minus strand). VCF-style: chr15-48515428-C-A. GRCh37 (hg19) VCF-style: chr15-48807625-C-A.
Other names: short protein forms C476F.
Identifiers: ClinVar variation 929136 (VCV000929136.1), dbSNP rs2043792070, ClinGen allele CA392343746.
Genomic context (GRCh38, chr15:48,515,428, plus strand): 5'-CCTAGGATGGATCACGTACCAATACACTCCCCACGGAGGTCCAGCTGGAACCCTTTGTTG[C>A]ACTCACACCGGTAACTCCCAGGAGTTGGAATGCAGCGTCCATTTTGACAGAGATAGCGGA-3'
Protein context (NP_000129.3, residues 466-486): IPTPGSYRCE[Cys476Phe]NKGFQLDLRG

ClinVar aggregate classification (germline): Uncertain significance (1 of 4 stars; one submission).

Submission:

Women's Health and Genetics/Laboratory Corporation of America, LabCorp
Classification: Uncertain significance. Last evaluated: 2019-03-25. Review status: criteria provided, single submitter. Criteria: LabCorp Variant Classification Summary - May 2015. Collection method: clinical testing. Allele origin: germline.
Comment: Variant summary: FBN1 c.1427G>T (p.Cys476Phe) results in a non-conservative amino acid change located in one of the EGF-like calcium-binding domains (IPR001881). Five of five in-silico tools predict a damaging effect of the variant on protein function. The variant was absent in 245946 control chromosomes (gnomAD). The available data on variant occurrences in the general population are insufficient to allow any conclusion about variant significance. To our knowledge, no occurrence of c.1427G>T in individuals affected with Marfan Syndrome and no experimental evidence demonstrating its impact on protein function have been reported. Other variants affecting the same amino acid residue (Cys476Arg, Cys476Gly, Cys476Ser, Cys476Tyr) have been reported in affected individuals (HGMD). Missense mutations affecting or creating cysteine residues and located within the conserved resides of the EGF consensus sequence are listed among the criteria for a causal FBN1 mutation when identified as de-novo (with proven paternity) in the revised Ghent criteria for the diagnosis of Marfan and related conditions (Loeys, BL et al, 2010). No clinical diagnostic laboratories have submitted clinical-significance assessments for this variant to ClinVar after 2014. Based on the evidence outlined above, until the germline/de-novo origin of this variant is unequivocally confirmed, the variant was classified as VUS-possibly pathogenic.